The following is an entry in ClinVar:

NM_001103.4(ACTN2):c.2170T>C (p.Trp724Arg)

Gene: ACTN2 (actinin alpha 2; plus strand). Cytogenetic location: 1q43.
Variant type: single nucleotide variant.
Coding change: c.2170T>C on transcript NM_001103.4 (MANE Select); coding-DNA position 2170, T replaced by C.
Protein change: p.Trp724Arg; replaces tryptophan 724 with arginine.
Molecular consequence: missense variant. On other transcripts: non-coding transcript variant (1).
Genome position (GRCh38, 1-based): chr1:236,757,501, T>C. VCF-style: chr1-236757501-T-C. GRCh37 (hg19) VCF-style: chr1-236920801-T-C.
Other names: c.2170T>C, p.Trp724Arg (NM_001278343.2); c.1546T>C, p.Trp516Arg (NM_001278344.2); c.1420T>C, p.Trp474Arg (NM_001412150.1); short protein forms W516R, W474R, W724R.
Identifiers: ClinVar variation 2949730 (VCV002949730.3), dbSNP rs2527653784, ClinGen allele CA345388640.

ClinVar aggregate classification (germline): Uncertain significance (1 of 4 stars; one submission).

Conditions:
Primary familial hypertrophic cardiomyopathy (HCM). Identifiers: Orphanet 99739, MedGen C0949658, MeSH D024741, MONDO:0024573. Inheritance: Various modes of inheritance.
Dilated cardiomyopathy 1AA (CMD1AA). Also called: CARDIOMYOPATHY, DILATED, 1AA, WITH OR WITHOUT LEFT VENTRICULAR NONCOMPACTION; CARDIOMYOPATHY, FAMILIAL HYPERTROPHIC, 23, WITH OR WITHOUT LEFT VENTRICULAR NONCOMPACTION; Cardiomyopathy, dilated, 1AA, with or without LVNC. Identifiers: Orphanet 154, MedGen C2677338, MONDO:0012808, OMIM 612158.

Submission:

Labcorp Genetics (formerly Invitae), Labcorp
Classification: Uncertain significance for Primary familial hypertrophic cardiomyopathy; Dilated cardiomyopathy 1AA. Last evaluated: 2023-07-10. Review status: criteria provided, single submitter. Criteria: Invitae Variant Classification Sherloc (09022015). Collection method: clinical testing. Allele origin: germline.
Comment: This variant has not been reported in the literature in individuals affected with ACTN2-related conditions. In summary, the available evidence is currently insufficient to determine the role of this variant in disease. Therefore, it has been classified as a Variant of Uncertain Significance. Advanced modeling of protein sequence and biophysical properties (such as structural, functional, and spatial information, amino acid conservation, physicochemical variation, residue mobility, and thermodynamic stability) performed at Invitae indicates that this missense variant is expected to disrupt ACTN2 protein function. This variant is not present in population databases (gnomAD no frequency). This sequence change replaces tryptophan, which is neutral and slightly polar, with arginine, which is basic and polar, at codon 724 of the ACTN2 protein (p.Trp724Arg).